The following is an entry in ClinVar:

ClinVar aggregate classification (germline): Uncertain significance. Review status: criteria provided, multiple submitters, no conflicts (2 of 4 stars). 2 submissions from 2 submitters: Uncertain significance (2). Last evaluated 2024-03-08.

Conditions:
Developmental delay with or without dysmorphic facies and autism. Identifiers: MedGen C5193106, MONDO:0032760, OMIM 618454.
Inborn genetic diseases. Identifiers: MedGen C0950123, MeSH D030342.

Submissions (2):

Pittsburgh Clinical Genomics Laboratory, University of Pittsburgh Medical Center
Classification: Uncertain significance for Developmental delay with or without dysmorphic facies and autism. Last evaluated: 2024-03-08. Review status: criteria provided, single submitter. Criteria: ACMG Guidelines, 2015. Collection method: clinical testing. Allele origin: germline. Inheritance: Autosomal dominant inheritance. Affected: yes.
Comment: This sequence variant is a single nucleotide substitution (T>A) at position 3145 of the coding sequence of the TRRAP gene that results in a tyrosine to asparagine amino acid change at residue 1049 of the transformation/transcription domain associated protein. This is a previously reported variant (ClinVar 985703) that has not been observed in individuals affected by a TRRAP-related disorder in the published literature, to our knowledge. This variant is absent from the gnomAD v4.0.0 population database (0/~629000 alleles). Multiple bioinformatic tools predict that this amino acid change would be damaging, and the Tyr1049 residue at this position is highly conserved across the vertebrate species examined. Studies examining the functional consequence of this variant have not been published, to our knowledge. At this time, there is insufficient evidence to determine if this variant is pathogenic or benign. Therefore, we consider this a variant of uncertain significance. ACMG Criteria: PM2, PP3

Ambry Genetics
Classification: Uncertain significance for Inborn genetic diseases. Last evaluated: 2019-08-22. Review status: criteria provided, single submitter. Criteria: Ambry exome assertion method (8-5-2015). Collection method: clinical testing. Allele origin: germline. Affected: yes. Observed: 1 variant allele.

NM_001375524.1(TRRAP):c.3145T>A (p.Tyr1049Asn)

Gene: TRRAP (transformation/transcription domain associated protein; plus strand). Cytogenetic location: 7q22.1.
Variant type: single nucleotide variant.
Coding change: c.3145T>A on transcript NM_001375524.1 (MANE Select); coding-DNA position 3145, T replaced by A.
Protein change: p.Tyr1049Asn; replaces tyrosine 1049 with asparagine.
Molecular consequence: missense variant.
Genome position (GRCh38, 1-based): chr7:98,927,336, T>A. VCF-style: chr7-98927336-T-A. GRCh37 (hg19) VCF-style: chr7-98524959-T-A.
Other names: c.3145T>A, p.Tyr1049Asn (NM_001244580.2, NM_003496.4); short protein forms Y1049N.
Identifiers: ClinVar variation 985703 (VCV000985703.4), dbSNP rs1790094205, ClinGen allele CA368297620.